The following is an entry in ClinVar:

ClinVar aggregate classification (germline): Uncertain significance. Review status: criteria provided, multiple submitters, no conflicts (2 of 4 stars). 2 submissions from 2 submitters: Uncertain significance (2). Last evaluated 2023-06-06.

Conditions:
Inborn genetic diseases. Identifiers: MedGen C0950123, MeSH D030342.

Allele frequency attached by ClinVar (database versions not stated): TOPMed 0.00001.
gnomAD v4.1: 17 of 1,180,069 alleles (0.0014%); highest among the groups gnomAD compares: East Asian, 0.003%; no homozygotes.

Submissions (2):

Ambry Genetics
Classification: Uncertain significance for Inborn genetic diseases. Last evaluated: 2023-06-06. Review status: criteria provided, single submitter. Criteria: Ambry Variant Classification Scheme 2023. Collection method: clinical testing. Allele origin: germline.

Labcorp Genetics (formerly Invitae), Labcorp
Classification: Uncertain significance. Last evaluated: 2023-02-27. Review status: criteria provided, single submitter. Criteria: Invitae Variant Classification Sherloc (09022015). Collection method: clinical testing. Allele origin: germline.
Comment: This variant has not been reported in the literature in individuals affected with PHEX-related conditions. In summary, the available evidence is currently insufficient to determine the role of this variant in disease. Therefore, it has been classified as a Variant of Uncertain Significance. Advanced modeling of protein sequence and biophysical properties (such as structural, functional, and spatial information, amino acid conservation, physicochemical variation, residue mobility, and thermodynamic stability) has been performed at Invitae for this missense variant, however the output from this modeling did not meet the statistical confidence thresholds required to predict the impact of this variant on PHEX protein function. The frequency data for this variant in the population databases is considered unreliable, as metrics indicate poor data quality at this position in the gnomAD database. This sequence change replaces valine, which is neutral and non-polar, with isoleucine, which is neutral and non-polar, at codon 525 of the PHEX protein (p.Val525Ile).

NM_000444.6(PHEX):c.1573G>A (p.Val525Ile)

Gene: PHEX (phosphate regulating endopeptidase X-linked; plus strand). Cytogenetic location: Xp22.11.
Variant type: single nucleotide variant.
Coding change: c.1573G>A on transcript NM_000444.6 (MANE Select); coding-DNA position 1573, G replaced by A.
Protein change: p.Val525Ile; replaces valine 525 with isoleucine.
Molecular consequence: missense variant.
Genome position (GRCh38, 1-based): chrX:22,178,363, G>A. VCF-style: chrX-22178363-G-A. GRCh37 (hg19) VCF-style: chrX-22196480-G-A.
Other names: c.1573G>A, p.Val525Ile (NM_001282754.2); short protein forms V525I.
Identifiers: ClinVar variation 2558296 (VCV002558296.5), dbSNP rs879138132, ClinGen allele CA327528677.